The following is an entry in ClinVar:

ClinVar aggregate classification (germline): Uncertain significance. Review status: criteria provided, multiple submitters, no conflicts (2 of 4 stars). 2 submissions from 2 submitters: Uncertain significance (2). Last evaluated 2025-08-04.

Conditions:
Intellectual disability, CASK-related, X-linked. Identifiers: MedGen CN043158.

Submissions (2):

Labcorp Genetics (formerly Invitae), Labcorp
Classification: Uncertain significance for Intellectual disability, CASK-related, X-linked. Last evaluated: 2025-08-04. Review status: criteria provided, single submitter. Criteria: Invitae Variant Classification Sherloc (09022015). Collection method: clinical testing. Allele origin: germline.
Comment: This sequence change replaces valine, which is neutral and non-polar, with leucine, which is neutral and non-polar, at codon 908 of the CASK protein (p.Val908Leu). This variant is not present in population databases (gnomAD no frequency). This variant has not been reported in the literature in individuals affected with CASK-related conditions. Invitae Evidence Modeling of protein sequence and biophysical properties (such as structural, functional, and spatial information, amino acid conservation, physicochemical variation, residue mobility, and thermodynamic stability) indicates that this missense variant is not expected to disrupt CASK protein function with a negative predictive value of 80%. In summary, the available evidence is currently insufficient to determine the role of this variant in disease. Therefore, it has been classified as a Variant of Uncertain Significance.

Dasa
Classification: Uncertain significance. Last evaluated: 2025-06-27. Review status: criteria provided, single submitter. Criteria: DASA Assertion Criteria. Collection method: clinical testing. Allele origin: germline.
Comment: NM_001367721.1(CASK):c.2737G>C (p.Val913Leu) is a missense variant that results in the substitution of valine with leucine. This variant is absent from population databases. Computational prediction algorithms are consistent with a benign effect. The currently available literature and clinical evidence are not sufficient to establish a definitive association between this variant and the reported condition. Therefore, this variant is classified as a variant of uncertain significance.

NM_001367721.1(CASK):c.2737G>C (p.Val913Leu)

Genes: CASK (calcium/calmodulin dependent serine protein kinase; minus strand), CASK-AS1 (CASK antisense RNA 1; plus strand). Cytogenetic location: Xp11.4.
Variant type: single nucleotide variant.
Coding change: c.2737G>C on transcript NM_001367721.1 (MANE Select); coding-DNA position 2737, G replaced by C.
Protein change: p.Val913Leu; replaces valine 913 with leucine.
Molecular consequence: missense variant.
Genome position (GRCh38, 1-based): chrX:41,520,464, C>G on the plus strand (G>C on the coding strand, the complement: CASK is on the minus strand). VCF-style: chrX-41520464-C-G. GRCh37 (hg19) VCF-style: chrX-41379717-C-G.
Other names: c.2653G>C, p.Val885Leu (NM_001126054.3); c.2650G>C, p.Val884Leu (NM_001126055.3); c.2719G>C, p.Val907Leu (NM_001410745.1); c.2722G>C, p.Val908Leu (NM_003688.4); short protein forms V884L, V885L, V907L, V908L, V913L.
Identifiers: ClinVar variation 4776354 (VCV004776354.3).
Genomic context (GRCh38, chrX:41,520,464, plus strand): 5'-ATATCTGGGGAGAGGCCTAATAGACCCAGGAGACAGGGACCCACTGTGGGGCTGTGCACA[C>G]GAGCTCAACAGCTTCCTCCAGATGTCTGATTGTCTCATCAATTTCATTGTTGATAATTGT-3'
Protein context (NP_001354650.1, residues 903-923): IRHLEEAVEL[Val913Leu]CTAPQWVPVS